The following is an entry in ClinVar:

ClinVar aggregate classification (germline): Uncertain significance. Review status: criteria provided, multiple submitters, no conflicts (2 of 4 stars). 2 submissions from 2 submitters: Uncertain significance (2). Last evaluated 2022-12-23.

Conditions:
Hereditary cancer-predisposing syndrome. Also called: Hereditary Cancer Syndrome; Hereditary neoplastic syndrome; Tumor predisposition; Neoplastic Syndromes, Hereditary. Identifiers: Orphanet 140162, MedGen C0027672, MeSH D009386, MONDO:0015356.

Allele frequency attached by ClinVar (database versions not stated): ExAC 0.00001.

Submissions (2):

Labcorp Genetics (formerly Invitae), Labcorp
Classification: Uncertain significance. Last evaluated: 2022-12-23. Review status: criteria provided, single submitter. Criteria: Invitae Variant Classification Sherloc (09022015). Collection method: clinical testing. Allele origin: germline.
Comment: This sequence change replaces phenylalanine, which is neutral and non-polar, with valine, which is neutral and non-polar, at codon 753 of the POLE protein (p.Phe753Val). This variant is present in population databases (rs762577168, gnomAD 0.0009%). This variant has not been reported in the literature in individuals affected with POLE-related conditions. ClinVar contains an entry for this variant (Variation ID: 1788541). Advanced modeling of protein sequence and biophysical properties (such as structural, functional, and spatial information, amino acid conservation, physicochemical variation, residue mobility, and thermodynamic stability) performed at Invitae indicates that this missense variant is expected to disrupt POLE protein function. In summary, the available evidence is currently insufficient to determine the role of this variant in disease. Therefore, it has been classified as a Variant of Uncertain Significance.

Ambry Genetics
Classification: Uncertain significance for Hereditary cancer-predisposing syndrome. Last evaluated: 2021-10-14. Review status: criteria provided, single submitter. Criteria: Ambry Variant Classification Scheme 2023. Collection method: clinical testing. Allele origin: germline.
Comment: The p.F753V variant (also known as c.2257T>G), located in coding exon 20 of the POLE gene, results from a T to G substitution at nucleotide position 2257. The phenylalanine at codon 753 is replaced by valine, an amino acid with highly similar properties. This amino acid position is conserved. In addition, this alteration is predicted to be deleterious by in silico analysis. Since supporting evidence is limited at this time, the clinical significance of this alteration remains unclear.

NM_006231.4(POLE):c.2257T>G (p.Phe753Val)

Gene: POLE (DNA polymerase epsilon, catalytic subunit; minus strand). Cytogenetic location: 12q24.33.
Variant type: single nucleotide variant.
Coding change: c.2257T>G on transcript NM_006231.4 (MANE Select); coding-DNA position 2257, T replaced by G.
Protein change: p.Phe753Val; replaces phenylalanine 753 with valine.
Molecular consequence: missense variant.
Genome position (GRCh38, 1-based): chr12:132,667,565, A>C on the plus strand (T>G on the coding strand, the complement: POLE is on the minus strand). VCF-style: chr12-132667565-A-C. GRCh37 (hg19) VCF-style: chr12-133244151-A-C.
Other names: short protein forms F753V.
Identifiers: ClinVar variation 1788541 (VCV001788541.5), dbSNP rs762577168, ClinGen allele CA6893619.